The following is an entry in ClinVar:

ClinVar aggregate classification (germline): Uncertain significance. Review status: criteria provided, multiple submitters, no conflicts (2 of 4 stars). 2 submissions from 2 submitters: Uncertain significance (2). Last evaluated 2025-02-19.

Conditions:
Acromesomelic dysplasia 1, Maroteaux type (AMD1). Also called: ST. HELENA DYSPLASIA; ACROMESOMELIC DYSPLASIA 1. Identifiers: Orphanet 40, MedGen C1864356, MONDO:0011275, OMIM 602875.
Tall stature-scoliosis-macrodactyly of the great toes syndrome. Also called: Epiphyseal chondrodysplasia, miura type. Identifiers: Orphanet 329191, MedGen C4014690, MONDO:0014401, OMIM 615923.

Allele frequency attached by ClinVar (database versions not stated): ExAC 0.00002; gnomAD exomes 0.00002 and 0.00003; gnomAD 0.00004 and 0.00005; TOPMed 0.00005.
gnomAD v4.1: 36 of 1,614,064 alleles (0.0022%); highest among the groups gnomAD compares: African/African-American, 0.0093%; 1 homozygote.

Submissions (2):

Labcorp Genetics (formerly Invitae), Labcorp
Classification: Uncertain significance for Tall stature-scoliosis-macrodactyly of the great toes syndrome; Acromesomelic dysplasia 1, Maroteaux type. Last evaluated: 2025-02-19. Review status: criteria provided, single submitter. Criteria: Invitae Variant Classification Sherloc (09022015). Collection method: clinical testing. Allele origin: germline.
Comment: This sequence change replaces serine, which is neutral and polar, with leucine, which is neutral and non-polar, at codon 641 of the NPR2 protein (p.Ser641Leu). This variant is present in population databases (rs202053091, gnomAD 0.008%). This variant has not been reported in the literature in individuals affected with NPR2-related conditions. ClinVar contains an entry for this variant (Variation ID: 972990). Invitae Evidence Modeling of protein sequence and biophysical properties (such as structural, functional, and spatial information, amino acid conservation, physicochemical variation, residue mobility, and thermodynamic stability) indicates that this missense variant is not expected to disrupt NPR2 protein function with a negative predictive value of 80%. Algorithms developed to predict the effect of sequence changes on RNA splicing suggest that this variant may disrupt the consensus splice site. In summary, the available evidence is currently insufficient to determine the role of this variant in disease. Therefore, it has been classified as a Variant of Uncertain Significance.

GeneDx
Classification: Uncertain significance. Last evaluated: 2020-08-03. Review status: criteria provided, single submitter. Criteria: GeneDx Variant Classification Process June 2021. Collection method: clinical testing. Allele origin: germline. Affected: yes.
Comment: In silico analysis supports that this missense variant has a deleterious effect on protein structure/function; Has not been previously published as pathogenic or benign to our knowledge

NM_003995.4(NPR2):c.1922C>T (p.Ser641Leu)

Gene: NPR2 (natriuretic peptide receptor 2; plus strand). Cytogenetic location: 9p13.3.
Variant type: single nucleotide variant.
Coding change: c.1922C>T on transcript NM_003995.4 (MANE Select); coding-DNA position 1922, C replaced by T.
Protein change: p.Ser641Leu; replaces serine 641 with leucine.
Molecular consequence: missense variant.
Genome position (GRCh38, 1-based): chr9:35,805,545, C>T. VCF-style: chr9-35805545-C-T. GRCh37 (hg19) VCF-style: chr9-35805542-C-T.
Other names: c.1931C>T, p.Ser644Leu (NM_001378923.1); short protein forms S641L, S644L.
Identifiers: ClinVar variation 972990 (VCV000972990.7), dbSNP rs202053091, ClinGen allele CA5051856.